The following is an entry in ClinVar:

ClinVar aggregate classification (germline): Uncertain significance. Review status: criteria provided, multiple submitters, no conflicts (2 of 4 stars). 2 submissions from 2 submitters: Uncertain significance (2). Last evaluated 2025-06-12.

Allele frequency attached by ClinVar (database versions not stated): gnomAD 0.00001; gnomAD exomes 0.00001; TOPMed 0.00001; ExAC 0.00002.
gnomAD v4.1: 19 of 1,613,766 alleles (0.0012%); highest among the groups gnomAD compares: Admixed American, 0.0033%; no homozygotes.

Submissions (2):

Ambry Genetics
Classification: Uncertain significance. Last evaluated: 2025-06-12. Review status: criteria provided, single submitter. Criteria: Ambry Variant Classification Scheme 2023. Collection method: clinical testing. Allele origin: germline.

Labcorp Genetics (formerly Invitae), Labcorp
Classification: Uncertain significance. Last evaluated: 2024-04-15. Review status: criteria provided, single submitter. Criteria: Invitae Variant Classification Sherloc (09022015). Collection method: clinical testing. Allele origin: germline.
Comment: This sequence change replaces methionine, which is neutral and non-polar, with valine, which is neutral and non-polar, at codon 62 of the CCT2 protein (p.Met62Val). This variant is present in population databases (rs528348784, gnomAD 0.002%). This variant has not been reported in the literature in individuals affected with CCT2-related conditions. ClinVar contains an entry for this variant (Variation ID: 1045782). An algorithm developed to predict the effect of missense changes on protein structure and function (PolyPhen-2) suggests that this variant is likely to be tolerated. In summary, the available evidence is currently insufficient to determine the role of this variant in disease. Therefore, it has been classified as a Variant of Uncertain Significance.

NM_006431.3(CCT2):c.184A>G (p.Met62Val)

Gene: CCT2 (chaperonin containing TCP1 subunit 2; plus strand). Cytogenetic location: 12q15.
Variant type: single nucleotide variant.
Coding change: c.184A>G on transcript NM_006431.3 (MANE Select); coding-DNA position 184, A replaced by G.
Protein change: p.Met62Val; replaces methionine 62 with valine.
Molecular consequence: missense variant.
Genome position (GRCh38, 1-based): chr12:69,587,544, A>G. VCF-style: chr12-69587544-A-G. GRCh37 (hg19) VCF-style: chr12-69981324-A-G.
Other names: c.43A>G, p.Met15Val (NM_001198842.2); c.184A>G (NM_006431.2); short protein forms M15V, M62V.
Identifiers: ClinVar variation 1045782 (VCV001045782.7), dbSNP rs528348784, ClinGen allele CA6680489.